The following is an entry in ClinVar:

ClinVar aggregate classification (germline): Uncertain significance. Review status: criteria provided, multiple submitters, no conflicts (2 of 4 stars). 2 submissions from 2 submitters: Uncertain significance (2). Last evaluated 2025-12-16.

Conditions:
Familial thoracic aortic aneurysm and aortic dissection (TAAD). Also called: Thoracic aortic aneurysms and dissections. Identifiers: Orphanet 91387, MedGen C4707243, MONDO:0019625.
Ehlers-Danlos syndrome, classic type, 1 (EDSCL1). Also called: EHLERS-DANLOS SYNDROME, GRAVIS TYPE; EHLERS-DANLOS SYNDROME, SEVERE CLASSIC TYPE; Ehlers-Danlos syndrome, type 1; Ehlers-Danlos Syndrome, Classic Type, COL5A1-Related; EDS I. Identifiers: MedGen C0268335, MONDO:0019567, OMIM 130000.

Allele frequency attached by ClinVar (database versions not stated): gnomAD exomes below 0.00001.
gnomAD v4.1: 5 of 1,613,746 alleles (0.00031%); highest among the groups gnomAD compares: East Asian, 0.0022%; no homozygotes.

Submissions (2):

Ambry Genetics
Classification: Uncertain significance for Familial thoracic aortic aneurysm and aortic dissection. Last evaluated: 2025-12-16. Review status: criteria provided, single submitter. Criteria: Ambry Variant Classification Scheme 2023. Collection method: clinical testing. Allele origin: germline.
Comment: The p.S1694F variant (also known as c.5081C>T), located in coding exon 64 of the COL5A1 gene, results from a C to T substitution at nucleotide position 5081. The serine at codon 1694 is replaced by phenylalanine, an amino acid with highly dissimilar properties. This amino acid position is conserved. In addition, the in silico prediction for this alteration is inconclusive. Based on the available evidence, the clinical significance of this variant remains unclear.

Labcorp Genetics (formerly Invitae), Labcorp
Classification: Uncertain significance for Ehlers-Danlos syndrome, classic type, 1. Last evaluated: 2025-02-02. Review status: criteria provided, single submitter. Criteria: Invitae Variant Classification Sherloc (09022015). Collection method: clinical testing. Allele origin: germline.
Comment: This sequence change replaces serine, which is neutral and polar, with phenylalanine, which is neutral and non-polar, at codon 1694 of the COL5A1 protein (p.Ser1694Phe). This variant is not present in population databases (gnomAD no frequency). This variant has not been reported in the literature in individuals affected with COL5A1-related conditions. ClinVar contains an entry for this variant (Variation ID: 1399670). Invitae Evidence Modeling of protein sequence and biophysical properties (such as structural, functional, and spatial information, amino acid conservation, physicochemical variation, residue mobility, and thermodynamic stability) indicates that this missense variant is not expected to disrupt COL5A1 protein function with a negative predictive value of 95%. In summary, the available evidence is currently insufficient to determine the role of this variant in disease. Therefore, it has been classified as a Variant of Uncertain Significance.

NM_000093.5(COL5A1):c.5081C>T (p.Ser1694Phe)

Genes: COL5A1 (collagen type V alpha 1 chain; plus strand), LOC101448202 (uncharacterized LOC101448202; minus strand). Cytogenetic location: 9q34.3.
Variant type: single nucleotide variant.
Coding change: c.5081C>T on transcript NM_000093.5 (MANE Select); coding-DNA position 5081, C replaced by T.
Protein change: p.Ser1694Phe; replaces serine 1694 with phenylalanine.
Molecular consequence: missense variant. On other transcripts: intron variant (1).
Genome position (GRCh38, 1-based): chr9:134,829,989, C>T. VCF-style: chr9-134829989-C-T. GRCh37 (hg19) VCF-style: chr9-137721835-C-T.
Other names: c.5068-119C>T (NM_001278074.1); c.5081C>T (NM_000093.3); short protein forms S1694F.
Identifiers: ClinVar variation 1399670 (VCV001399670.7), dbSNP rs1564183635, ClinGen allele CA375459305.